The following is an entry in ClinVar:

ClinVar aggregate classification (germline): Uncertain significance (1 of 4 stars; one submission).

Submission:

Women's Health and Genetics/Laboratory Corporation of America, LabCorp
Classification: Uncertain significance. Last evaluated: 2026-05-26. Review status: criteria provided, single submitter. Criteria: LabCorp Variant Classification Summary - May 2015. Collection method: clinical testing. Allele origin: germline.
Comment: Variant summary: AEBP1 c.2443C>G (p.Leu815Val) results in a conservative amino acid change in the encoded protein sequence. Algorithms developed to predict the effect of missense changes on protein structure and function are either unavailable or do not agree on the potential impact of this missense change. The variant allele was found at a frequency of 1.2e-05 in 248144 control chromosomes. The available data on variant occurrences in the general population are insufficient to allow any conclusion about variant significance. To our knowledge, no occurrence of c.2443C>G in individuals affected with AEBP1-related conditions and no experimental evidence demonstrating its impact on protein function have been reported. No submitters have cited clinical-significance assessments for this variant to ClinVar. Based on the evidence outlined above, the variant was classified as uncertain significance.

NM_001129.5(AEBP1):c.2443C>G (p.Leu815Val)

Gene: AEBP1 (AE binding protein 1; plus strand). Cytogenetic location: 7p13.
Variant type: single nucleotide variant.
Coding change: c.2443C>G on transcript NM_001129.5 (MANE Select); coding-DNA position 2443, C replaced by G.
Protein change: p.Leu815Val; replaces leucine 815 with valine.
Molecular consequence: missense variant.
Genome position (GRCh38, 1-based): chr7:44,112,783, C>G. VCF-style: chr7-44112783-C-G. GRCh37 (hg19) VCF-style: chr7-44152382-C-G.
Other names: short protein forms L815V.
Identifiers: ClinVar variation 4853667 (VCV004853667.1).
Genomic context (GRCh38, chr7:44,112,783, plus strand): 5'-GAGGATGAGGACGAGGTCTCCGAGGCCCAGGAGACTCCAGACCACGCCATCTTCCGGTGG[C>G]TTGCCATCTCCTTCGCCTCCGCACACCTCACCTTGACCGAGCCCTACCGCGGAGGCTGCC-3'
Protein context (NP_001120.3, residues 805-825): ETPDHAIFRW[Leu815Val]AISFASAHLT